The following is an entry in ClinVar:

NM_006343.3(MERTK):c.2576_2579del (p.Glu859fs)

Gene: MERTK (MER proto-oncogene, tyrosine kinase; plus strand). Cytogenetic location: 2q13.
Variant type: Deletion.
Coding change: c.2576_2579del on transcript NM_006343.3 (MANE Select); coding-DNA positions 2576 to 2579, 4 bases deleted (AAAG; older notation c.2576_2579delAAAG).
Protein change: p.Glu859fs; shifts the reading frame from glutamic acid 859.
Molecular consequence: frameshift variant.
Genome position (GRCh38, 1-based): chr2:112,028,440-112,028,443, AAAG deleted; deleting any 4 consecutive bases within chr2:112,028,438-112,028,443 gives the same sequence; the c. name uses the placement nearest the transcript's 3' end. VCF-style (leftmost placement, unchanged base first): chr2-112028437-TAGAA-T. GRCh37 (hg19) VCF-style: chr2-112786014-TAGAA-T.
Other names: short protein forms E859fs.
Identifiers: ClinVar variation 2122177 (VCV002122177.4), dbSNP rs2466928884, ClinGen allele CA2511995954.

ClinVar aggregate classification (germline): Pathogenic (1 of 4 stars; one submission).

Submission:

Labcorp Genetics (formerly Invitae), Labcorp
Classification: Pathogenic. Last evaluated: 2022-10-24. Review status: criteria provided, single submitter. Criteria: Invitae Variant Classification Sherloc (09022015). Collection method: clinical testing. Allele origin: germline.
Comment: For these reasons, this variant has been classified as Pathogenic. This variant disrupts the C-terminus of the MERTK protein. Other variant(s) that disrupt this region (p.Ser860Lysfs*37, p.Asn874Ilefs*22) have been observed in individuals with MERTK-related conditions (Invitae). This suggests that this may be a clinically significant region of the protein. This premature translational stop signal has been observed in individual(s) with retinitis pigmentosa (Invitae). In at least one individual the data is consistent with being in trans (on the opposite chromosome) from a pathogenic variant. This variant is not present in population databases (gnomAD no frequency). This sequence change creates a premature translational stop signal (p.Glu859Valfs*36) in the MERTK gene. While this is not anticipated to result in nonsense mediated decay, it is expected to disrupt the last 141 amino acid(s) of the MERTK protein.